The following is an entry in ClinVar:

NM_001134407.3(GRIN2A):c.2048G>A (p.Gly683Glu)

Gene: GRIN2A (glutamate ionotropic receptor NMDA type subunit 2A; minus strand). Cytogenetic location: 16p13.2.
Variant type: single nucleotide variant.
Coding change: c.2048G>A on transcript NM_001134407.3 (MANE Select); coding-DNA position 2048, G replaced by A.
Protein change: p.Gly683Glu; replaces glycine 683 with glutamic acid.
Molecular consequence: missense variant.
Genome position (GRCh38, 1-based): chr16:9,822,384, C>T on the plus strand (G>A on the coding strand, the complement: GRIN2A is on the minus strand). VCF-style: chr16-9822384-C-T. GRCh37 (hg19) VCF-style: chr16-9916241-C-T.
Other names: c.2048G>A, p.Gly683Glu (NM_000833.5, NM_001134408.2); short protein forms G683E.
Identifiers: ClinVar variation 2123194 (VCV002123194.4), dbSNP rs2141295045, ClinGen allele CA394797920.

ClinVar aggregate classification (germline): Uncertain significance (1 of 4 stars; one submission).

Conditions:
Landau-Kleffner syndrome (FESD). Also called: EPILEPSY, FOCAL, WITH SPEECH DISORDER AND WITH OR WITHOUT MENTAL RETARDATION; APHASIA, ACQUIRED, WITH EPILEPSY. Identifiers: Orphanet 1945, Orphanet 725, Orphanet 98818, MedGen C0282512, MONDO:0009509, OMIM 245570.

Submission:

Labcorp Genetics (formerly Invitae), Labcorp
Classification: Uncertain significance for Landau-Kleffner syndrome. Last evaluated: 2024-10-20. Review status: criteria provided, single submitter. Criteria: Invitae Variant Classification Sherloc (09022015). Collection method: clinical testing. Allele origin: germline.
Comment: This sequence change replaces glycine, which is neutral and non-polar, with glutamic acid, which is acidic and polar, at codon 683 of the GRIN2A protein (p.Gly683Glu). This variant is not present in population databases (gnomAD no frequency). This variant has not been reported in the literature in individuals affected with GRIN2A-related conditions. ClinVar contains an entry for this variant (Variation ID: 2123194). Invitae Evidence Modeling of protein sequence and biophysical properties (such as structural, functional, and spatial information, amino acid conservation, physicochemical variation, residue mobility, and thermodynamic stability) indicates that this missense variant is expected to disrupt GRIN2A protein function with a positive predictive value of 95%. In summary, the available evidence is currently insufficient to determine the role of this variant in disease. Therefore, it has been classified as a Variant of Uncertain Significance.